The following is an entry in ClinVar:

NM_000540.3(RYR1):c.14709G>C (p.Glu4903Asp)

Gene: RYR1 (ryanodine receptor 1; plus strand). Cytogenetic location: 19q13.2.
Variant type: single nucleotide variant.
Coding change: c.14709G>C on transcript NM_000540.3 (MANE Select); coding-DNA position 14709, G replaced by C.
Protein change: p.Glu4903Asp; replaces glutamic acid 4903 with aspartic acid.
Molecular consequence: missense variant.
Genome position (GRCh38, 1-based): chr19:38,585,005, G>C. VCF-style: chr19-38585005-G-C. GRCh37 (hg19) VCF-style: chr19-39075645-G-C.
Other names: c.14694G>C, p.Glu4898Asp (NM_001042723.2); short protein forms E4898D, E4903D.
Identifiers: ClinVar variation 857436 (VCV000857436.3), dbSNP rs557624321, ClinGen allele CA061537.

ClinVar aggregate classification (germline): Uncertain significance. Review status: criteria provided, multiple submitters, no conflicts (2 of 4 stars). 3 submissions from 3 submitters: Uncertain significance (3). Last evaluated 2025-05-21.

Conditions:
RYR1-related disorder. Also called: RYR1-related disorders; RYR1-related condition. Identifiers: MedGen CN239331.

Allele frequency attached by ClinVar (database versions not stated): gnomAD below 0.00001 and 0.00001; gnomAD exomes below 0.00001; ExAC 0.00001; 1000 Genomes Project 30x 0.00016; 1000 Genomes Project 0.00020.
gnomAD v4.1: 3 of 1,614,056 alleles (0.00019%); highest among the groups gnomAD compares: East Asian, 0.0022%; no homozygotes.

Submissions (3):

GeneDx
Classification: Uncertain significance. Last evaluated: 2025-05-21. Review status: criteria provided, single submitter. Criteria: GeneDx Variant Classification Process June 2021. Collection method: clinical testing. Allele origin: germline.
Comment: Not observed at significant frequency in large population cohorts (gnomAD); In silico analysis suggests that this missense variant does not alter protein structure/function; Has not been previously published as pathogenic or benign to our knowledge; This variant is associated with the following publications: (PMID: 20681998, 33767344)

Blueprint Genetics
Classification: Uncertain significance. Last evaluated: 2022-07-20. Review status: criteria provided, single submitter. Criteria: ACMG Guidelines, 2015. Collection method: clinical testing. Allele origin: germline.

Labcorp Genetics (formerly Invitae), Labcorp
Classification: Uncertain significance for RYR1-Related Disorders. Last evaluated: 2019-02-05. Review status: criteria provided, single submitter. Criteria: Invitae Variant Classification Sherloc (09022015). Collection method: clinical testing. Allele origin: germline.
Comment: This sequence change replaces glutamic acid with aspartic acid at codon 4903 of the RYR1 protein (p.Glu4903Asp). The glutamic acid residue is highly conserved and there is a small physicochemical difference between glutamic acid and aspartic acid. This variant is present in population databases (rs557624321, ExAC 0.01%). This variant has not been reported in the literature in individuals with RYR1-related conditions. Algorithms developed to predict the effect of missense changes on protein structure and function are either unavailable or do not agree on the potential impact of this missense change (SIFT: "Deleterious"; PolyPhen-2: "Not Available"; Align-GVGD: "Class C0"). In summary, the available evidence is currently insufficient to determine the role of this variant in disease. Therefore, it has been classified as a Variant of Uncertain Significance.